The following is an entry in ClinVar:

NC_000002.11:g.(?_44547318)_(44556271_?)del

Genes: PREPL (prolyl endopeptidase like; minus strand), SLC3A1 (solute carrier family 3 member 1; plus strand). Cytogenetic location: 2p21.
Variant type: Deletion.
Identifiers: ClinVar variation 2425478 (VCV002425478.3).

ClinVar aggregate classification (germline): Pathogenic (1 of 4 stars; one submission).

Conditions:
Myasthenic syndrome, congenital, 22 (CMS22). Also called: PREPL DEFICIENCY. Identifiers: MedGen C4479088, MONDO:0044299, OMIM 616224.

Submission:

Labcorp Genetics (formerly Invitae), Labcorp
Classification: Pathogenic for Myasthenic syndrome, congenital, 22. Last evaluated: 2022-04-25. Review status: criteria provided, single submitter. Criteria: Invitae Variant Classification Sherloc (09022015). Collection method: clinical testing. Allele origin: germline.
Comment: This variant is a gross deletion of the genomic region encompassing exon(s) 9-14 of the PREPL gene, which includes the termination codon. This deletion extends beyond the assayed region for this gene and therefore may encompass additional genes. If SLC3A1 has been tested and no copy number events are reported for it, then the 3' boundary of this event lies between the PREPL and SLC3A1 genes. This deletion is expected to alter mRNA translation or to result in a truncated or absent protein product. A similar copy number variant has been observed in individual(s) with hypotonia-cystinuria syndrome, in conjunction with a copy number variant in SLC3A1 (PMID: 24610330). This variant disrupts a region of the PREPL protein in which other variant(s) (p.Lys698Asn) have been determined to be pathogenic (PMID: 32707643). This suggests that this is a clinically significant region of the protein, and that variants that disrupt it are likely to be disease-causing. For these reasons, this variant has been classified as Pathogenic.

Literature cited by the submitters: PubMed 24610330; PubMed 32707643.